The following is an entry in ClinVar:

NM_016373.4(WWOX):c.882C>G (p.Asn294Lys)

Gene: WWOX (WW domain containing oxidoreductase; plus strand). Cytogenetic location: 16q23.1.
Variant type: single nucleotide variant.
Coding change: c.882C>G on transcript NM_016373.4 (MANE Select); coding-DNA position 882, C replaced by G.
Protein change: p.Asn294Lys; replaces asparagine 294 with lysine.
Molecular consequence: missense variant.
Genome position (GRCh38, 1-based): chr16:78,432,578, C>G. VCF-style: chr16-78432578-C-G. GRCh37 (hg19) VCF-style: chr16-78466475-C-G.
Other names: c.543C>G, p.Asn181Lys (NM_001291997.2); short protein forms N181K, N294K.
Identifiers: ClinVar variation 1060323 (VCV001060323.9), dbSNP rs2151386030, ClinGen allele CA396843205.
Genomic context (GRCh38, chr16:78,432,578, plus strand): 5'-ACTGGACTTCAGTCGCCTCTCTCCAACAAAAAACGACTATTGGGCGATGCTGGCTTATAA[C>G]AGGTCCAAGCTCTGCAACATCCTCTTCTCCAACGAGCTGCACCGTCGCCTCTCCCCACGC-3'
Protein context (NP_057457.1, residues 284-304): KNDYWAMLAY[Asn294Lys]RSKLCNILFS

ClinVar aggregate classification (germline): Uncertain significance (1 of 4 stars; one submission).

Conditions:
Autosomal recessive spinocerebellar ataxia 12. Also called: SPINOCEREBELLAR ATAXIA WITH MENTAL RETARDATION AND EPILEPSY. Identifiers: Orphanet 284282, MedGen C3280452, MONDO:0013687, OMIM 614322.
Developmental and epileptic encephalopathy, 1 (DEE1). Also called: X-linked infantile spasms; West's syndrome; Tonic spasms with clustering, arrest of psychomotor development and hypsarrhythmia on EEG; X-Linked Infantile Spasm Syndrome; OHTAHARA SYNDROME, X-LINKED; Epileptic encephalopathy, early infantile, 1. Identifiers: MedGen C3463992, MONDO:0010632, OMIM 308350. Disease mechanism: loss of function.

gnomAD v4.1: 4 of 1,614,210 alleles (0.00025%); highest among the groups gnomAD compares: Non-Finnish European, 0.00034%; no homozygotes.

Submission:

Labcorp Genetics (formerly Invitae), Labcorp
Classification: Uncertain significance for Developmental and epileptic encephalopathy, 1; Autosomal recessive spinocerebellar ataxia 12. Last evaluated: 2022-04-28. Review status: criteria provided, single submitter. Criteria: Invitae Variant Classification Sherloc (09022015). Collection method: clinical testing. Allele origin: germline.
Comment: In summary, the available evidence is currently insufficient to determine the role of this variant in disease. Therefore, it has been classified as a Variant of Uncertain Significance. Algorithms developed to predict the effect of missense changes on protein structure and function are either unavailable or do not agree on the potential impact of this missense change (SIFT: "Not Available"; PolyPhen-2: "Possibly Damaging"; Align-GVGD: "Not Available"). ClinVar contains an entry for this variant (Variation ID: 1060323). This missense change has been observed in individual(s) with WWOX-related conditions (Invitae). In at least one individual the data is consistent with being in trans (on the opposite chromosome) from a pathogenic variant. This variant is not present in population databases (gnomAD no frequency). This sequence change replaces asparagine, which is neutral and polar, with lysine, which is basic and polar, at codon 294 of the WWOX protein (p.Asn294Lys).